The following is an entry in ClinVar:

ClinVar aggregate classification (germline): Pathogenic (1 of 4 stars; one submission).

Conditions:
X-linked agammaglobulinemia with growth hormone deficiency (IGHD3). Also called: Isolated growth hormone deficiency type 3; Growth hormone deficiency with hypogammaglobulinemia; AGAMMAGLOBULINEMIA AND ISOLATED GROWTH HORMONE DEFICIENCY, X-LINKED; FLEISHER SYNDROME; HYPOGAMMAGLOBULINEMIA AND ISOLATED GROWTH HORMONE DEFICIENCY, X-LINKED; IGHD III. Identifiers: Orphanet 231692, Orphanet 631, MedGen C0472813, MONDO:0010615, OMIM 307200.

Submission:

Labcorp Genetics (formerly Invitae), Labcorp
Classification: Pathogenic for X-linked agammaglobulinemia with growth hormone deficiency. Last evaluated: 2024-12-31. Review status: criteria provided, single submitter. Criteria: Invitae Variant Classification Sherloc (09022015). Collection method: clinical testing. Allele origin: germline.
Comment: This sequence change creates a premature translational stop signal (p.Glu65*) in the BTK gene. It is expected to result in an absent or disrupted protein product. Loss-of-function variants in BTK are known to be pathogenic (PMID: 15661032, 16862044, 19419768). This variant is not present in population databases (gnomAD no frequency). This variant has not been reported in the literature in individuals affected with BTK-related conditions. Algorithms developed to predict the effect of sequence changes on RNA splicing suggest that this variant may disrupt the consensus splice site. For these reasons, this variant has been classified as Pathogenic.

Literature cited by the submitters: PubMed 15661032; PubMed 16862044; PubMed 19419768.

NM_000061.3(BTK):c.193G>T (p.Glu65Ter)

Gene: BTK (Bruton tyrosine kinase; minus strand). Cytogenetic location: Xq22.1.
Variant type: single nucleotide variant.
Coding change: c.193G>T on transcript NM_000061.3 (MANE Select); coding-DNA position 193, G replaced by T.
Protein change: p.Glu65Ter; replaces glutamic acid 65 with a stop codon.
Molecular consequence: nonsense.
Genome position (GRCh38, 1-based): chrX:101,374,583, C>A on the plus strand (G>T on the coding strand, the complement: BTK is on the minus strand). VCF-style: chrX-101374583-C-A. GRCh37 (hg19) VCF-style: chrX-100629571-C-A.
Other names: c.295G>T, p.Glu99Ter (NM_001287344.2); c.193G>T, p.Glu65Ter (NM_001287345.2); short protein forms E65*, E99*.
Identifiers: ClinVar variation 3726686 (VCV003726686.2).